The following is an entry in ClinVar:

NM_020442.6(VARS2):c.1060G>A (p.Asp354Asn)

Gene: VARS2 (valyl-tRNA synthetase 2, mitochondrial; plus strand). Cytogenetic location: 6p21.33.
Variant type: single nucleotide variant.
Coding change: c.1060G>A on transcript NM_020442.6 (MANE Select); coding-DNA position 1060, G replaced by A.
Protein change: p.Asp354Asn; replaces aspartic acid 354 with asparagine.
Molecular consequence: missense variant.
Genome position (GRCh38, 1-based): chr6:30,918,901, G>A. VCF-style: chr6-30918901-G-A. GRCh37 (hg19) VCF-style: chr6-30886678-G-A.
Other names: c.640G>A, p.Asp214Asn (NM_001167733.3); c.1150G>A, p.Asp384Asn (NM_001167734.2); short protein forms D384N, D214N, D354N.
Identifiers: ClinVar variation 933236 (VCV000933236.2), dbSNP rs753490759, ClinGen allele CA3705789.

ClinVar aggregate classification (germline): Uncertain significance. Review status: criteria provided, single submitter (1 of 4 stars). 2 submissions from 2 submitters: Uncertain significance (1). 1 of the submissions does not count toward it. Last evaluated 2025-06-27.

Conditions:
VARS2-related disorder. Also called: VARS2-related disorders; VARS2-related condition.
Combined oxidative phosphorylation defect type 20. Also called: Combined oxidative phosphorylation deficiency 20. Identifiers: Orphanet 420728, MedGen C4014660, MONDO:0014397, OMIM 615917.

Allele frequency attached by ClinVar (database versions not stated): ExAC 0.00001; gnomAD exomes 0.00001.

Submissions (2):

PreventionGenetics, part of Exact Sciences
Classification: Uncertain significance for VARS2-related condition. Last evaluated: 2025-06-27. Review status: criteria provided, single submitter. Criteria: ACMG Guidelines, 2015. Collection method: clinical testing. Allele origin: germline.
Comment: The VARS2 c.1150G>A variant is predicted to result in the amino acid substitution p.Asp384Asn. This variant has been reported in the compound heterozygous state with a second disease-causing VARS2 variant (p.Thr367Ile) in an individual with combined oxidative phosphorylation deficiency 20 (Bruni et al. 2018. PubMed ID: 29314548). In vitro studies of cultured fibroblasts from this individual showed a partial reduction of mitochondrial Complex IV activity and partially reduced expression of VARS2 and mitochondrial Complex I; however, the functional impact of each reported variant was not evaluated independently (Bruni et al. 2018. PubMed ID: 29314548). This variant is reported in 0.0029% of alleles in individuals of Latino descent in gnomAD. Although we suspect that this variant may be pathogenic, the clinical significance of this variant is uncertain at this time due to the absence of conclusive functional and genetic evidence.

OMIM
Classification: Pathogenic for COMBINED OXIDATIVE PHOSPHORYLATION DEFICIENCY 20. Last evaluated: 2020-07-09. Review status: no assertion criteria provided. Collection method: literature only. Allele origin: germline. Not counted in ClinVar's aggregate classification.

Literature cited by the submitters: PubMed 29314548 (cited by OMIM).